The following is an entry in ClinVar:

NM_004656.4(BAP1):c.810G>A (p.Leu270=)

Gene: BAP1 (BRCA1 associated deubiquitinase 1; minus strand). Cytogenetic location: 3p21.1.
Variant type: single nucleotide variant.
Coding change: c.810G>A on transcript NM_004656.4 (MANE Select); coding-DNA position 810, G replaced by A.
Protein change: p.Leu270=; no amino-acid change (leucine 270 retained).
Molecular consequence: synonymous variant.
Genome position (GRCh38, 1-based): chr3:52,405,886, C>T on the plus strand (G>A on the coding strand, the complement: BAP1 is on the minus strand). VCF-style: chr3-52405886-C-T. GRCh37 (hg19) VCF-style: chr3-52439902-C-T.
Identifiers: ClinVar variation 490896 (VCV000490896.15), dbSNP rs1009864663, ClinGen allele CA433775787.
Genomic context (GRCh38, chr3:52,405,886, plus strand): 5'-GTTGCTGGCTGACTTGGACTCCTCAGGCAGCTGTGACTCTTGAGACTTGTGGGTCTGAAT[C>T]AGCTCTGGCTGTGTTACTCTTATCAGCTAACAACAGAATCCAGGGCTCAGAGGAGAAAGG-3'
Protein context (NP_004647.1, residues 260-280): QQLIRVTQPE[Leu270=]IQTHKSQESQ

ClinVar aggregate classification (germline): Benign/Likely benign. Review status: criteria provided, multiple submitters, no conflicts (2 of 4 stars). 4 submissions from 4 submitters: Benign (1); Likely benign (3). Last evaluated 2025-09-27.

Conditions:
Hereditary cancer-predisposing syndrome. Also called: Hereditary Cancer Syndrome; Neoplastic Syndromes, Hereditary; Tumor predisposition; Hereditary neoplastic syndrome. Identifiers: Orphanet 140162, MedGen C0027672, MeSH D009386, MONDO:0015356.
BAP1-related tumor predisposition syndrome (TPDS1). Also called: Tumor susceptibility linked to germline BAP1 mutations; BAP1 tumor predisposition syndrome; COMMON Syndrome; TUMOR PREDISPOSITION SYNDROME 1. Identifiers: Orphanet 289539, MedGen C3280492, MONDO:0013692, OMIM 614327.

Allele frequency attached by ClinVar (database versions not stated): TOPMed below 0.00001.

Submissions (4):

Labcorp Genetics (formerly Invitae), Labcorp
Classification: Likely benign for BAP1-related tumor predisposition syndrome. Last evaluated: 2025-09-27. Review status: criteria provided, single submitter. Criteria: Invitae Variant Classification Sherloc (09022015). Collection method: clinical testing. Allele origin: germline.

Myriad Genetics, Inc.
Classification: Benign for BAP1-related tumor predisposition syndrome. Last evaluated: 2024-07-15. Review status: criteria provided, single submitter. Criteria: Myriad Autosomal Dominant, Autosomal Recessive and X-Linked Classification Criteria (2023). Collection method: clinical testing. Allele origin: unknown.
Comment: This variant is considered benign. This variant is a silent/synonymous amino acid change and it is not expected to impact splicing.

Ambry Genetics
Classification: Likely benign for Hereditary cancer-predisposing syndrome. Last evaluated: 2018-09-24. Review status: criteria provided, single submitter. Criteria: Ambry Variant Classification Scheme 2023. Collection method: clinical testing. Allele origin: germline.

Color Diagnostics, LLC DBA Color Health
Classification: Likely benign for Hereditary cancer-predisposing syndrome. Last evaluated: 2017-02-17. Review status: criteria provided, single submitter. Criteria: ACMG Guidelines, 2015. Collection method: clinical testing. Allele origin: germline.